The following is an entry in ClinVar:

NM_004519.4(KCNQ3):c.169C>G (p.Leu57Val)

Gene: KCNQ3 (potassium voltage-gated channel subfamily Q member 3; minus strand). Cytogenetic location: 8q24.22.
Variant type: single nucleotide variant.
Coding change: c.169C>G on transcript NM_004519.4 (MANE Select); coding-DNA position 169, C replaced by G.
Protein change: p.Leu57Val; replaces leucine 57 with valine.
Molecular consequence: missense variant.
Genome position (GRCh38, 1-based): chr8:132,480,364, G>C on the plus strand (C>G on the coding strand, the complement: KCNQ3 is on the minus strand). VCF-style: chr8-132480364-G-C. GRCh37 (hg19) VCF-style: chr8-133492611-G-C.
Other names: short protein forms L57V.
Identifiers: ClinVar variation 2580474 (VCV002580474.2), dbSNP rs1822520331, ClinGen allele CA372292756.

ClinVar aggregate classification (germline): Uncertain significance (1 of 4 stars; one submission).

Allele frequency attached by ClinVar (database versions not stated): TOPMed below 0.00001.

Submission:

GeneDx
Classification: Uncertain significance. Last evaluated: 2024-11-08. Review status: criteria provided, single submitter. Criteria: GeneDx Variant Classification Process June 2021. Collection method: clinical testing. Allele origin: germline.
Comment: Not observed at significant frequency in large population cohorts (gnomAD); In silico analysis indicates that this missense variant does not alter protein structure/function; Has not been previously published as pathogenic or benign to our knowledge